The following is an entry in ClinVar:

NM_000088.4(COL1A1):c.2482G>A (p.Glu828Lys)

Gene: COL1A1 (collagen type I alpha 1 chain; minus strand). Cytogenetic location: 17q21.33.
Variant type: single nucleotide variant.
Coding change: c.2482G>A on transcript NM_000088.4 (MANE Select); coding-DNA position 2482, G replaced by A.
Protein change: p.Glu828Lys; replaces glutamic acid 828 with lysine.
Molecular consequence: missense variant.
Genome position (GRCh38, 1-based): chr17:50,190,078, C>T on the plus strand (G>A on the coding strand, the complement: COL1A1 is on the minus strand). VCF-style: chr17-50190078-C-T. GRCh37 (hg19) VCF-style: chr17-48267439-C-T.
Other names: short protein forms E828K.
Identifiers: ClinVar variation 2444172 (VCV002444172.5), dbSNP rs199510546, ClinGen allele CA8644785.

ClinVar aggregate classification (germline): Uncertain significance. Review status: criteria provided, multiple submitters, no conflicts (2 of 4 stars). 4 submissions from 4 submitters: Uncertain significance (3). 1 of the submissions does not count toward it. Last evaluated 2026-03-26.

Conditions:
Osteogenesis imperfecta type I (OI1). Also called: Osteogenesis imperfecta type 1; Lobstein's Disease; Lobstein disease; OI, TYPE I; OSTEOGENESIS IMPERFECTA TARDA; OSTEOGENESIS IMPERFECTA WITH BLUE SCLERAE. Identifiers: Orphanet 216796, Orphanet 666, MedGen C0023931, MONDO:0008146, OMIM 166200. Disease mechanism: loss of function.
Cardiovascular phenotype. Identifiers: MedGen CN230736.
COL1A1-related disorder. Also called: COL1A1-related condition; COL1A1- related disease.

Allele frequency attached by ClinVar (database versions not stated): ExAC 0.00002; gnomAD exomes below 0.00001; gnomAD 0.00001; 1000 Genomes Project 30x 0.00016; 1000 Genomes Project 0.00020.
gnomAD v4.1: 6 of 1,612,788 alleles (0.00037%); highest among the groups gnomAD compares: East Asian, 0.0022%; no homozygotes.

Submissions (4):

GeneDx
Classification: Uncertain significance. Last evaluated: 2026-03-26. Review status: criteria provided, single submitter. Criteria: GeneDx Variant Classification Process June 2021. Collection method: clinical testing. Allele origin: germline.
Comment: Not observed at significant frequency in large population cohorts (gnomAD); In silico analysis supports that this missense variant has a deleterious effect on protein structure/function; This variant is associated with the following publications: (PMID: 30614853, 37270749)

Ambry Genetics
Classification: Uncertain significance for Cardiovascular phenotype. Last evaluated: 2025-12-29. Review status: criteria provided, single submitter. Criteria: Ambry Variant Classification Scheme 2023. Collection method: clinical testing. Allele origin: germline.
Comment: The p.E828K variant (also known as c.2482G>A), located in coding exon 36 of the COL1A1 gene, results from a G to A substitution at nucleotide position 2482. The glutamic acid at codon 828 is replaced by lysine, an amino acid with similar properties. This variant was reported in individual(s) with features consistent with osteogenesis imperfecta (Li LJ et al. Chin Med J (Engl), 2019 Jan;132:145-153; Lin X et al. J Endocrinol Invest, 2024 Jan;47:67-77). This amino acid position is highly conserved in available vertebrate species. In addition, this alteration is predicted to be deleterious by in silico analysis. Based on the available evidence, the clinical significance of this variant remains unclear.

3billion
Classification: Uncertain significance for Osteogenesis imperfecta type I. Last evaluated: 2023-02-23. Review status: criteria provided, single submitter. Criteria: ACMG Guidelines, 2015. Collection method: clinical testing. Allele origin: unknown. Affected: yes.
Comment: The variant is observed at an extremely low frequency in the gnomAD v2.1.1 dataset (total allele frequency: <0.001%). Missense changes are a common disease-causing mechanism. In silico tool predictions suggest damaging effect of the variant on gene or gene product (REVEL: 0.88; 3Cnet: 0.91). Same nucleotide change resulting in same amino acid change has been previously reported to be associated with COL1A1-related disorder (PMID: 30614853). However, the evidence of pathogenicity is insufficient at this time. Therefore, this variant is classified as VUS according to the recommendation of ACMG/AMP guideline.

PreventionGenetics, part of Exact Sciences
Classification: Uncertain significance for COL1A1-related condition. Last evaluated: 2023-12-21. Review status: no assertion criteria provided. Collection method: clinical testing. Allele origin: germline. Not counted in ClinVar's aggregate classification.
Comment: The COL1A1 c.2482G>A variant is predicted to result in the amino acid substitution p.Glu828Lys. This variant was reported in an individual with osteogenesis imperfecta I (Table 2, Li et al 2019. PubMed ID: 30614853). This variant is reported in 0.0054% of alleles in individuals of East Asian descent in gnomAD. At this time, the clinical significance of this variant is uncertain due to the absence of conclusive functional and genetic evidence.

Literature cited by the submitters: PubMed 30614853 (cited by Ambry Genetics and 3billion); PubMed 37270749 (cited by Ambry Genetics).